The following is an entry in ClinVar:

NM_022437.3(ABCG8):c.176C>A (p.Ala59Asp)

Gene: ABCG8 (ATP binding cassette subfamily G member 8; plus strand). Cytogenetic location: 2p21.
Variant type: single nucleotide variant.
Coding change: c.176C>A on transcript NM_022437.3 (MANE Select); coding-DNA position 176, C replaced by A.
Protein change: p.Ala59Asp; replaces alanine 59 with aspartic acid.
Molecular consequence: missense variant.
Genome position (GRCh38, 1-based): chr2:43,846,165, C>A. VCF-style: chr2-43846165-C-A. GRCh37 (hg19) VCF-style: chr2-44073304-C-A.
Other names: p.Ala59Asp; c.176C>A, p.Ala59Asp (NM_001357321.2); short protein forms A59D.
Identifiers: ClinVar variation 1376718 (VCV001376718.9), dbSNP rs749036339, ClinGen allele CA1636934.
Genomic context (GRCh38, chr2:43,846,165, plus strand): 5'-CCCTCTGAACCATTCAGCTCTCTAAGGAACCTTCTGATATCTCCCCACAGGTGGACCTGG[C>A]CTCTCAGGTCCCTTGGTTTGAGCAGCTGGCTCAGTTCAAGATGCCCTGGACATCTCCCAG-3'
Protein context (NP_071882.1, residues 49-69): VRDLNYQVDL[Ala59Asp]SQVPWFEQLA

ClinVar aggregate classification (germline): Uncertain significance. Review status: criteria provided, multiple submitters, no conflicts (2 of 4 stars). 4 submissions from 4 submitters: Uncertain significance (4). Last evaluated 2024-04-08.

Conditions:
Cardiovascular phenotype. Identifiers: MedGen CN230736.

Allele frequency attached by ClinVar (database versions not stated): TOPMed below 0.00001; gnomAD 0.00001 and 0.00002; gnomAD exomes 0.00001; ExAC 0.00002.
gnomAD v4.1: 15 of 1,613,414 alleles (0.00093%); highest among the groups gnomAD compares: Middle Eastern, 0.092%; no homozygotes.

Submissions (4):

Mayo Clinic Laboratories, Mayo Clinic
Classification: Uncertain significance. Last evaluated: 2024-04-08. Review status: criteria provided, single submitter. Criteria: ACMG Guidelines, 2015. Collection method: clinical testing. Allele origin: germline. Observed: 1 variant allele.
Comment: PM2_moderate

Labcorp Genetics (formerly Invitae), Labcorp
Classification: Uncertain significance. Last evaluated: 2023-05-29. Review status: criteria provided, single submitter. Criteria: Invitae Variant Classification Sherloc (09022015). Collection method: clinical testing. Allele origin: germline.
Comment: In summary, the available evidence is currently insufficient to determine the role of this variant in disease. Therefore, it has been classified as a Variant of Uncertain Significance. Algorithms developed to predict the effect of missense changes on protein structure and function output the following: SIFT: "Not Available"; PolyPhen-2: "Benign"; Align-GVGD: "Not Available". The aspartic acid amino acid residue is found in multiple mammalian species, which suggests that this missense change does not adversely affect protein function. ClinVar contains an entry for this variant (Variation ID: 1376718). This variant has not been reported in the literature in individuals affected with ABCG8-related conditions. This variant is present in population databases (rs749036339, gnomAD 0.002%). This sequence change replaces alanine, which is neutral and non-polar, with aspartic acid, which is acidic and polar, at codon 59 of the ABCG8 protein (p.Ala59Asp).

Ambry Genetics
Classification: Uncertain significance for Cardiovascular phenotype. Last evaluated: 2022-01-19. Review status: criteria provided, single submitter. Criteria: Ambry Variant Classification Scheme 2023. Collection method: clinical testing. Allele origin: germline.
Comment: The p.A59D variant (also known as c.176C>A), located in coding exon 3 of the ABCG8 gene, results from a C to A substitution at nucleotide position 176. The alanine at codon 59 is replaced by aspartic acid, an amino acid with dissimilar properties. This amino acid position is conserved. In addition, this alteration is predicted to be tolerated by in silico analysis. Since supporting evidence is limited at this time, the clinical significance of this alteration remains unclear.

Breakthrough Genomics
Classification: Uncertain significance. Review status: criteria provided, single submitter. Criteria: ACMG Guidelines, 2015. Collection method: not provided. Allele origin: germline. Inheritance: Autosomal recessive inheritance. Affected: yes.